The following is an entry in ClinVar:

ClinVar aggregate classification (germline): Uncertain significance (1 of 4 stars; one submission).

Submission:

Labcorp Genetics (formerly Invitae), Labcorp
Classification: Uncertain significance. Last evaluated: 2023-08-29. Review status: criteria provided, single submitter. Criteria: Invitae Variant Classification Sherloc (09022015). Collection method: clinical testing. Allele origin: germline.
Comment: This sequence change affects the initiator methionine of the ABRAXAS1 mRNA. The next in-frame methionine is located at codon 50. In summary, the available evidence is currently insufficient to determine the role of this variant in disease. Therefore, it has been classified as a Variant of Uncertain Significance. ClinVar contains an entry for this variant (Variation ID: 2419954). This variant has not been reported in the literature in individuals affected with ABRAXAS1-related conditions. This variant is not present in population databases (gnomAD no frequency).

NM_139076.3(ABRAXAS1):c.3G>C (p.Met1Ile)

Genes: ABRAXAS1 (abraxas 1, BRCA1 A complex subunit; minus strand), LOC129992784 (ATAC-STARR-seq lymphoblastoid silent region 15542; plus strand). Cytogenetic location: 4q21.23.
Variant type: single nucleotide variant.
Coding change: c.3G>C on transcript NM_139076.3 (MANE Select); coding-DNA position 3, G replaced by C.
Protein change: p.Met1Ile; changes the start codon (methionine 1).
Molecular consequence: missense variant, initiator codon variant. On other transcripts: 5 prime UTR variant (1).
Genome position (GRCh38, 1-based): chr4:83,485,070, C>G on the plus strand (G>C on the coding strand, the complement: ABRAXAS1 is on the minus strand). VCF-style: chr4-83485070-C-G. GRCh37 (hg19) VCF-style: chr4-84406223-C-G.
Other names: c.-258G>C (NM_001345962.2); short protein forms M1I.
Identifiers: ClinVar variation 2419954 (VCV002419954.33), dbSNP rs2529473168, ClinGen allele CA357264138.
Genomic context (GRCh38, chr4:83,485,070, plus strand): 5'-CTGGAAAGCGAGTGCGCCGAGCACAAAGCCCGAGAGCACCGCCGACGTACTCTCCCCCTC[C>G]ATGCTACCGCCGCCTCAGGCTACACAAGAGGACGAGGGCGGGGCGCGCGGAGGCAAGACC-3'
Protein context (NP_620775.2, residues 1-11): [Met1Ile]EGESTSAVLS